The following is an entry in ClinVar:

NM_001378454.1(ALMS1):c.1999A>G (p.Thr667Ala)

Gene: ALMS1 (ALMS1 centrosome and basal body associated protein; plus strand). Cytogenetic location: 2p13.1.
Variant type: single nucleotide variant.
Coding change: c.1999A>G on transcript NM_001378454.1 (MANE Select); coding-DNA position 1999, A replaced by G.
Protein change: p.Thr667Ala; replaces threonine 667 with alanine.
Molecular consequence: missense variant.
Genome position (GRCh38, 1-based): chr2:73,448,526, A>G. VCF-style: chr2-73448526-A-G. GRCh37 (hg19) VCF-style: chr2-73675653-A-G.
Other names: c.2002A>G, p.Thr668Ala (NM_015120.4); short protein forms T668A, T667A.
Identifiers: ClinVar variation 557591 (VCV000557591.4), dbSNP rs28730850, ClinGen allele CA1713253.

ClinVar aggregate classification (germline): Uncertain significance. Review status: criteria provided, single submitter (1 of 4 stars). 2 submissions from 2 submitters: Uncertain significance (1). 1 of the submissions does not count toward it. Last evaluated 2021-11-15.

Conditions:
Cardiovascular phenotype. Identifiers: MedGen CN230736.
Alstrom syndrome (ALMS). Identifiers: Orphanet 64, MedGen C0268425, MONDO:0008763, OMIM 203800.

Allele frequency attached by ClinVar (database versions not stated): gnomAD exomes below 0.00001; ExAC 0.00001; gnomAD 0.00001; 1000 Genomes Project 0.00020; 1000 Genomes Project 30x 0.00031.
gnomAD v4.1: 7 of 1,613,932 alleles (0.00043%); highest among the groups gnomAD compares: Middle Eastern, 0.017%; no homozygotes.

Submissions (2):

Ambry Genetics
Classification: Uncertain significance for Cardiovascular phenotype. Last evaluated: 2021-11-15. Review status: criteria provided, single submitter. Criteria: Ambry Variant Classification Scheme 2023. Collection method: clinical testing. Allele origin: germline.
Comment: The p.T668A variant (also known as c.2002A>G), located in coding exon 8 of the ALMS1 gene, results from an A to G substitution at nucleotide position 2002. The threonine at codon 668 is replaced by alanine, an amino acid with similar properties. This amino acid position is not well conserved in available vertebrate species. In addition, this alteration is predicted to be tolerated by in silico analysis. Since supporting evidence is limited at this time, the clinical significance of this alteration remains unclear.

Counsyl
Classification: Uncertain significance for Alstrom syndrome. Last evaluated: 2018-04-02. Review status: no assertion criteria provided. Collection method: clinical testing. Allele origin: unknown. Not counted in ClinVar's aggregate classification.